The following is an entry in ClinVar:

ClinVar aggregate classification (germline): Conflicting classifications of pathogenicity. Review status: criteria provided, conflicting classifications (1 of 4 stars). 6 submissions from 6 submitters: Uncertain significance (1); Benign (1); Likely benign (4). Last evaluated 2026-01-24.

Conditions:
Autosomal recessive nonsyndromic hearing loss 53. Identifiers: Orphanet 90636, MedGen C1864746, MONDO:0012333, OMIM 609706.
Otospondylomegaepiphyseal dysplasia, autosomal dominant (OSMEDA). Also called: COL11A2-Related Stickler Syndrome; Stickler syndrome, type 3; Pierre Robin syndrome with fetal chondrodysplasia. Identifiers: Orphanet 166100, Orphanet 3450, MedGen C1848488, MONDO:0008490, OMIM 184840.
Otospondylomegaepiphyseal dysplasia, autosomal recessive (OSMEDB). Also called: Insley-Astley syndrome; CHONDRODYSTROPHY WITH SENSORINEURAL DEAFNESS. Identifiers: Orphanet 1427, MedGen CN034493, MONDO:0044206, OMIM 215150.
Fibrochondrogenesis 2 (FBCG2). Identifiers: Orphanet 2021, MedGen C3281128, MONDO:0013795, OMIM 614524.
Autosomal dominant nonsyndromic hearing loss 13. Identifiers: Orphanet 90635, MedGen C1866095, MONDO:0011159, OMIM 601868.

Allele frequency attached by ClinVar (database versions not stated): ESP Exome Variant Server 0.00047; TOPMed 0.00084; gnomAD 0.00089; 1000 Genomes Project 30x 0.00156; 1000 Genomes Project 0.00160.
gnomAD v4.1: 252 of 1,612,728 alleles (0.016%); highest among the groups gnomAD compares: African/African-American, 0.28%; 3 homozygotes.

Submissions (6):

Labcorp Genetics (formerly Invitae), Labcorp
Classification: Benign. Last evaluated: 2026-01-24. Review status: criteria provided, single submitter. Criteria: Invitae Variant Classification Sherloc (09022015). Collection method: clinical testing. Allele origin: germline.

Blueprint Genetics
Classification: Likely benign. Last evaluated: 2024-06-05. Review status: criteria provided, single submitter. Criteria: ACMG Guidelines, 2015. Collection method: clinical testing. Allele origin: germline.

GeneDx
Classification: Likely benign. Last evaluated: 2021-03-04. Review status: criteria provided, single submitter. Criteria: GeneDx Variant Classification Process June 2021. Collection method: clinical testing. Allele origin: germline. Affected: yes.
Comment: In silico analysis, which includes protein predictors and evolutionary conservation, supports a deleterious effect; Has not been previously published as pathogenic or benign to our knowledge

Fulgent Genetics
Classification: Uncertain significance for Otospondylomegaepiphyseal dysplasia, autosomal dominant; Otospondylomegaepiphyseal dysplasia, autosomal recessive; Autosomal dominant nonsyndromic hearing loss 13; Autosomal recessive nonsyndromic hearing loss 53; Fibrochondrogenesis 2. Last evaluated: 2018-10-31. Review status: criteria provided, single submitter. Criteria: ACMG Guidelines, 2015. Collection method: clinical testing. Allele origin: unknown.

Laboratory for Molecular Medicine, Mass General Brigham Personalized Medicine
Classification: Likely benign. Last evaluated: 2018-10-31. Review status: criteria provided, single submitter. Criteria: LMM Criteria. Collection method: clinical testing. Allele origin: germline. Observed: 2 variant alleles.
Comment: The p.Pro1347Gln variant in COL11A2 is classified as likely benign because it ha s been identified in 0.3% (74/22572) of African chromosomes including 2 homozygo tes by the Genome Aggregation Database (gnomAD ). ACMG/AMP Criteria applied: BS1.

Eurofins Ntd Llc (ga)
Classification: Likely benign. Last evaluated: 2017-08-10. Review status: criteria provided, single submitter. Criteria: EGL Classification Definitions 2015. Collection method: clinical testing. Allele origin: germline. Observed: 2 variant alleles, 2 heterozygotes.

NM_080680.3(COL11A2):c.4040C>A (p.Pro1347Gln)

Gene: COL11A2 (collagen type XI alpha 2 chain; minus strand). Cytogenetic location: 6p21.32.
Variant type: single nucleotide variant.
Coding change: c.4040C>A on transcript NM_080680.3 (MANE Select); coding-DNA position 4040, C replaced by A.
Protein change: p.Pro1347Gln; replaces proline 1347 with glutamine.
Molecular consequence: missense variant.
Genome position (GRCh38, 1-based): chr6:33,167,508, G>T on the plus strand (C>A on the coding strand, the complement: COL11A2 is on the minus strand). VCF-style: chr6-33167508-G-T. GRCh37 (hg19) VCF-style: chr6-33135285-G-T.
Other names: c.3719C>A, p.Pro1240Gln (NM_080679.3); c.3782C>A, p.Pro1261Gln (NM_080681.3); short protein forms P1347Q, P1261Q, P1240Q.
Identifiers: ClinVar variation 162981 (VCV000162981.20), dbSNP rs142890313, ClinGen allele CA175561.